The following is an entry in ClinVar:

ClinVar aggregate classification (germline): Uncertain significance (1 of 4 stars; one submission).

Submission:

Labcorp Genetics (formerly Invitae), Labcorp
Classification: Uncertain significance. Last evaluated: 2023-01-22. Review status: criteria provided, single submitter. Criteria: Invitae Variant Classification Sherloc (09022015). Collection method: clinical testing. Allele origin: germline.
Comment: In summary, the available evidence is currently insufficient to determine the role of this variant in disease. Therefore, it has been classified as a Variant of Uncertain Significance. Algorithms developed to predict the effect of missense changes on protein structure and function (SIFT, PolyPhen-2, Align-GVGD) all suggest that this variant is likely to be disruptive. This variant has not been reported in the literature in individuals affected with APPL1-related conditions. This variant is not present in population databases (gnomAD no frequency). This sequence change replaces arginine, which is basic and polar, with glycine, which is neutral and non-polar, at codon 478 of the APPL1 protein (p.Arg478Gly).

NM_012096.3(APPL1):c.1432C>G (p.Arg478Gly)

Gene: APPL1 (adaptor protein, phosphotyrosine interacting with PH domain and leucine zipper 1; plus strand). Cytogenetic location: 3p14.3.
Variant type: single nucleotide variant.
Coding change: c.1432C>G on transcript NM_012096.3 (MANE Select); coding-DNA position 1432, C replaced by G.
Protein change: p.Arg478Gly; replaces arginine 478 with glycine.
Molecular consequence: missense variant.
Genome position (GRCh38, 1-based): chr3:57,259,029, C>G. VCF-style: chr3-57259029-C-G. GRCh37 (hg19) VCF-style: chr3-57293057-C-G.
Other names: short protein forms R478G.
Identifiers: ClinVar variation 2831041 (VCV002831041.3), dbSNP rs200151001, ClinGen allele CA353297137.